The following is an entry in ClinVar:

NM_004369.4(COL6A3):c.5464G>A (p.Glu1822Lys)

Gene: COL6A3 (collagen type VI alpha 3 chain; minus strand). Cytogenetic location: 2q37.3.
Variant type: single nucleotide variant.
Coding change: c.5464G>A on transcript NM_004369.4 (MANE Select); coding-DNA position 5464, G replaced by A.
Protein change: p.Glu1822Lys; replaces glutamic acid 1822 with lysine.
Molecular consequence: missense variant.
Genome position (GRCh38, 1-based): chr2:237,366,723, C>T on the plus strand (G>A on the coding strand, the complement: COL6A3 is on the minus strand). VCF-style: chr2-237366723-C-T. GRCh37 (hg19) VCF-style: chr2-238275366-C-T.
Other names: c.3643G>A, p.Glu1215Lys (NM_057166.5); c.4846G>A, p.Glu1616Lys (NM_057167.4); short protein forms E1215K, E1616K, E1822K.
Identifiers: ClinVar variation 4881950 (VCV004881950.2).
Genomic context (GRCh38, chr2:237,366,723, plus strand): 5'-AAATATGCACATAATGGGAGTTACCTTTGGCAGCATCAGTTACACCAGGGCAAAGGGTTT[C>T]ATGCATCGCATCATGCAAAGTTTCCAAAACTTGCTCGCTCAGTTCGGACAGCTCCTGGAC-3'
Protein context (NP_004360.2, residues 1812-1832): VLETLHDAMH[Glu1822Lys]TLCPGVTDAA

ClinVar aggregate classification (germline): Uncertain significance (1 of 4 stars; one submission).

Submission:

Dasa
Classification: Uncertain significance. Last evaluated: 2025-05-28. Review status: criteria provided, single submitter. Criteria: DASA Assertion Criteria. Collection method: clinical testing. Allele origin: germline.
Comment: NM_004369.4(COL6A3):c.5464G>A (p.Glu1822Lys) is a missense variant that results in the substitution of glutamic acid with lysine. This variant is absent from population databases. The currently available literature and clinical evidence are not sufficient to establish a definitive association between this variant and the reported condition. Therefore, this variant is classified as a variant of uncertain significance.